The following is an entry in ClinVar:

ClinVar aggregate classification (germline): Uncertain significance (1 of 4 stars; one submission).

Conditions:
Charcot-Marie-Tooth disease recessive intermediate C. Also called: CHARCOT-MARIE-TOOTH NEUROPATHY, RECESSIVE INTERMEDIATE C. Identifiers: Orphanet 369867, MedGen C3809309, MONDO:0014154, OMIM 615376.
Neuronopathy, distal hereditary motor, autosomal recessive 4. Also called: NEUROPATHY, DISTAL HEREDITARY MOTOR, AUTOSOMAL RECESSIVE 4; Autosomal recessive lower motor neuron disease with childhood onset. Identifiers: Orphanet 206580, MedGen C1970211, MONDO:0012608, OMIM 611067.

Allele frequency attached by ClinVar (database versions not stated): gnomAD exomes below 0.00001.
gnomAD v4.1: 1 of 1,613,868 alleles (0.000062%); highest among the groups gnomAD compares: Non-Finnish European, 0.000085%; no homozygotes.

Submission:

Labcorp Genetics (formerly Invitae), Labcorp
Classification: Uncertain significance for Neuronopathy, distal hereditary motor, autosomal recessive 4; Charcot-Marie-Tooth disease recessive intermediate C. Last evaluated: 2022-06-06. Review status: criteria provided, single submitter. Criteria: Invitae Variant Classification Sherloc (09022015). Collection method: clinical testing. Allele origin: germline.
Comment: In summary, the available evidence is currently insufficient to determine the role of this variant in disease. Therefore, it has been classified as a Variant of Uncertain Significance. Algorithms developed to predict the effect of missense changes on protein structure and function output the following: SIFT: "Tolerated"; PolyPhen-2: "Benign"; Align-GVGD: "Class C0". The arginine amino acid residue is found in multiple mammalian species, which suggests that this missense change does not adversely affect protein function. This variant has not been reported in the literature in individuals affected with PLEKHG5-related conditions. This variant is not present in population databases (gnomAD no frequency). This sequence change replaces lysine, which is basic and polar, with arginine, which is basic and polar, at codon 635 of the PLEKHG5 protein (p.Lys635Arg).

NM_020631.6(PLEKHG5):c.1904A>G (p.Lys635Arg)

Gene: PLEKHG5 (pleckstrin homology and RhoGEF domain containing G5; minus strand). Cytogenetic location: 1p36.31.
Variant type: single nucleotide variant.
Coding change: c.1904A>G on transcript NM_020631.6 (MANE Select); coding-DNA position 1904, A replaced by G.
Protein change: p.Lys635Arg; replaces lysine 635 with arginine.
Molecular consequence: missense variant.
Genome position (GRCh38, 1-based): chr1:6,469,573, T>C on the plus strand (A>G on the coding strand, the complement: PLEKHG5 is on the minus strand). VCF-style: chr1-6469573-T-C. GRCh37 (hg19) VCF-style: chr1-6529633-T-C.
Other names: c.2015A>G, p.Lys672Arg (NM_001042663.3, NM_001265592.2); c.1904A>G, p.Lys635Arg (NM_001042664.2, NM_001042665.2, NM_001265594.3 and 1 more transcripts); c.2111A>G, p.Lys704Arg (NM_001265593.2); short protein forms K704R, K635R, K672R.
Identifiers: ClinVar variation 2174038 (VCV002174038.4), dbSNP rs2523137149, ClinGen allele CA338120105.